The following is an entry in ClinVar:

NM_176824.3(BBS7):c.173dup (p.Lys59fs)

Gene: BBS7 (Bardet-Biedl syndrome 7; minus strand). Cytogenetic location: 4q27.
Variant type: Duplication.
Coding change: c.173dup on transcript NM_176824.3 (MANE Select); coding-DNA position 173, one base duplicated (T; older notation c.173dupT).
Protein change: p.Lys59fs; shifts the reading frame from lysine 59.
Molecular consequence: frameshift variant.
Genome position (GRCh38, 1-based): chr4:121,861,672, A duplicated on the plus strand (T on the coding strand, the reverse complement: BBS7 is on the minus strand); the first of 2 consecutive A bases (chr4:121,861,672-121,861,673); duplicating either gives the same sequence. VCF-style (leftmost placement, unchanged base first): chr4-121861671-G-GA. GRCh37 (hg19) VCF-style: chr4-122782826-G-GA.
Other names: c.173dup, p.Lys59fs (NM_018190.4); short protein forms K59fs.
Identifiers: ClinVar variation 2693516 (VCV002693516.3), dbSNP rs2476567100, ClinGen allele CA2697546903.

ClinVar aggregate classification (germline): Pathogenic (1 of 4 stars; one submission).

Conditions:
Bardet-Biedl syndrome (BBS). Identifiers: Orphanet 110, MedGen C0752166, MONDO:0015229.

Submission:

Labcorp Genetics (formerly Invitae), Labcorp
Classification: Pathogenic for Bardet-Biedl syndrome. Last evaluated: 2023-11-05. Review status: criteria provided, single submitter. Criteria: Invitae Variant Classification Sherloc (09022015). Collection method: clinical testing. Allele origin: germline.
Comment: This sequence change creates a premature translational stop signal (p.Lys59Glnfs*31) in the BBS7 gene. It is expected to result in an absent or disrupted protein product. Loss-of-function variants in BBS7 are known to be pathogenic (PMID: 12567324, 19402160, 21209035, 31196119). This variant is not present in population databases (gnomAD no frequency). This variant has not been reported in the literature in individuals affected with BBS7-related conditions. For these reasons, this variant has been classified as Pathogenic.

Literature cited by the submitters: PubMed 12567324; PubMed 19402160; PubMed 21209035; PubMed 31196119.